The following is an entry in ClinVar:

NM_004795.4(KL):c.1177A>G (p.Asn393Asp)

Gene: KL (klotho; plus strand). Cytogenetic location: 13q13.1.
Variant type: single nucleotide variant.
Coding change: c.1177A>G on transcript NM_004795.4 (MANE Select); coding-DNA position 1177, A replaced by G.
Protein change: p.Asn393Asp; replaces asparagine 393 with aspartic acid.
Molecular consequence: missense variant.
Genome position (GRCh38, 1-based): chr13:33,054,124, A>G. VCF-style: chr13-33054124-A-G. GRCh37 (hg19) VCF-style: chr13-33628261-A-G.
Other names: c.1177A>G (NM_004795.3); short protein forms N393D.
Identifiers: ClinVar variation 1925479 (VCV001925479.6), dbSNP rs760226741, ClinGen allele CA6944052.

ClinVar aggregate classification (germline): Uncertain significance. Review status: criteria provided, multiple submitters, no conflicts (2 of 4 stars). 2 submissions from 2 submitters: Uncertain significance (2). Last evaluated 2025-09-11.

Allele frequency attached by ClinVar (database versions not stated): ExAC 0.00001; gnomAD exomes 0.00001; TOPMed 0.00001.
gnomAD v4.1: 4 of 1,614,126 alleles (0.00025%); highest among the groups gnomAD compares: Admixed American, 0.0033%; no homozygotes.

Submissions (2):

Ambry Genetics
Classification: Uncertain significance. Last evaluated: 2025-09-11. Review status: criteria provided, single submitter. Criteria: Ambry Variant Classification Scheme 2023. Collection method: clinical testing. Allele origin: germline.

Labcorp Genetics (formerly Invitae), Labcorp
Classification: Uncertain significance. Last evaluated: 2023-08-04. Review status: criteria provided, single submitter. Criteria: Invitae Variant Classification Sherloc (09022015). Collection method: clinical testing. Allele origin: germline.
Comment: In summary, the available evidence is currently insufficient to determine the role of this variant in disease. Therefore, it has been classified as a Variant of Uncertain Significance. Advanced modeling of protein sequence and biophysical properties (such as structural, functional, and spatial information, amino acid conservation, physicochemical variation, residue mobility, and thermodynamic stability) performed at Invitae indicates that this missense variant is not expected to disrupt KL protein function. ClinVar contains an entry for this variant (Variation ID: 1925479). This variant has not been reported in the literature in individuals affected with KL-related conditions. This variant is present in population databases (rs760226741, gnomAD 0.0009%). This sequence change replaces asparagine, which is neutral and polar, with aspartic acid, which is acidic and polar, at codon 393 of the KL protein (p.Asn393Asp).